The following is an entry in ClinVar:

ClinVar aggregate classification (germline): Conflicting classifications of pathogenicity. Review status: criteria provided, conflicting classifications (1 of 4 stars). 3 submissions from 3 submitters: Uncertain significance (2); Likely benign (1). Last evaluated 2024-09-10.

Conditions:
Familial thoracic aortic aneurysm and aortic dissection (TAAD). Also called: Thoracic aortic aneurysms and dissections. Identifiers: Orphanet 91387, MedGen C4707243, MONDO:0019625.
FG syndrome (FGS). Identifiers: MedGen C0220769, MONDO:0002010.

Allele frequency attached by ClinVar (database versions not stated): gnomAD exomes below 0.00001; gnomAD 0.00001; TOPMed 0.00001.
gnomAD v4.1: 4 of 1,209,429 alleles (0.00033%); highest among the groups gnomAD compares: Admixed American, 0.0022%; no homozygotes.

Submissions (3):

Labcorp Genetics (formerly Invitae), Labcorp
Classification: Likely benign for FG syndrome. Last evaluated: 2024-09-10. Review status: criteria provided, single submitter. Criteria: Invitae Variant Classification Sherloc (09022015). Collection method: clinical testing. Allele origin: germline.

Ambry Genetics
Classification: Uncertain significance for Familial thoracic aortic aneurysm and aortic dissection. Last evaluated: 2023-02-27. Review status: criteria provided, single submitter. Criteria: Ambry Variant Classification Scheme 2023. Collection method: clinical testing. Allele origin: germline.
Comment: The p.T327M variant (also known as c.980C>T), located in coding exon 7 of the MED12 gene, results from a C to T substitution at nucleotide position 980. The threonine at codon 327 is replaced by methionine, an amino acid with similar properties. This amino acid position is conserved. In addition, this alteration is predicted to be tolerated by in silico analysis. Since supporting evidence is limited at this time, the clinical significance of this alteration remains unclear.

Blueprint Genetics
Classification: Uncertain significance. Last evaluated: 2020-10-15. Review status: criteria provided, single submitter. Criteria: ACMG Guidelines, 2015. Collection method: clinical testing. Allele origin: germline.

NM_005120.3(MED12):c.980C>T (p.Thr327Met)

Gene: MED12 (mediator complex subunit 12; plus strand). Cytogenetic location: Xq13.1.
Variant type: single nucleotide variant.
Coding change: c.980C>T on transcript NM_005120.3 (MANE Select); coding-DNA position 980, C replaced by T.
Protein change: p.Thr327Met; replaces threonine 327 with methionine.
Molecular consequence: missense variant.
Genome position (GRCh38, 1-based): chrX:71,121,695, C>T. VCF-style: chrX-71121695-C-T. GRCh37 (hg19) VCF-style: chrX-70341545-C-T.
Other names: short protein forms T327M.
Identifiers: ClinVar variation 2223843 (VCV002223843.5), dbSNP rs1330873923, ClinGen allele CA413504845.